The following is an entry in ClinVar:

NM_001909.5(CTSD):c.69-17C>A

Genes: CTSD (cathepsin D; minus strand), PRADX (PRC2 and DDX5 associated lncRNA; plus strand). Cytogenetic location: 11p15.5.
Variant type: single nucleotide variant.
Coding change: c.69-17C>A on transcript NM_001909.5 (MANE Select); 17 bases into the intron before coding-DNA position 69, C replaced by A.
Molecular consequence: intron variant.
Genome position (GRCh38, 1-based): chr11:1,761,485, G>T on the plus strand (C>A on the coding strand, the complement: CTSD is on the minus strand). VCF-style: chr11-1761485-G-T. GRCh37 (hg19) VCF-style: chr11-1782715-G-T.
Identifiers: ClinVar variation 377758 (VCV000377758.6), dbSNP rs371858126, ClinGen allele CA5814306.
Genomic context (GRCh38, chr11:1,761,485, plus strand): 5'-CCGACATGGTCCGGCGGATGGACGTGAACTTGTGCAGCGGGATCCTGTCAACCACGGGTC[G>T]GGGCATATCAGGGAGGCCCTCCCGCCTGCCGGCCGACGCTGCCAATGCTGCACATCCACC-3'

ClinVar aggregate classification (germline): Conflicting classifications of pathogenicity. Review status: criteria provided, conflicting classifications (1 of 4 stars). 2 submissions from 2 submitters: Uncertain significance (1); Likely benign (1). Last evaluated 2022-07-25.

Conditions:
Neuronal ceroid lipofuscinosis. Also called: Neuronal Ceroid Lipofuscinoses. Identifiers: Orphanet 216, Orphanet 79263, MedGen C0027877, MONDO:0016295. Disease mechanism: loss of function.

Allele frequency attached by ClinVar (database versions not stated): TOPMed 0.00002; gnomAD 0.00003.
gnomAD v4.1: 31 of 1,613,452 alleles (0.0019%); highest among the groups gnomAD compares: Non-Finnish European, 0.0025%; no homozygotes.

Submissions (2):

Labcorp Genetics (formerly Invitae), Labcorp
Classification: Uncertain significance for Neuronal ceroid lipofuscinosis. Last evaluated: 2022-07-25. Review status: criteria provided, single submitter. Criteria: Invitae Variant Classification Sherloc (09022015). Collection method: clinical testing. Allele origin: germline.
Comment: This sequence change falls in intron 1 of the CTSD gene. It does not directly change the encoded amino acid sequence of the CTSD protein. This variant is present in population databases (rs371858126, gnomAD 0.006%). This variant has not been reported in the literature in individuals affected with CTSD-related conditions. ClinVar contains an entry for this variant (Variation ID: 377758). Algorithms developed to predict the effect of sequence changes on RNA splicing suggest that this variant may create or strengthen a splice site. In summary, the available evidence is currently insufficient to determine the role of this variant in disease. Therefore, it has been classified as a Variant of Uncertain Significance.

GeneDx
Classification: Likely benign. Last evaluated: 2015-11-12. Review status: criteria provided, single submitter. Criteria: GeneDx Variant Classification (06012015). Collection method: clinical testing. Allele origin: germline. Affected: yes.
Comment: This variant is considered likely benign or benign based on one or more of the following criteria: it is a conservative change, it occurs at a poorly conserved position in the protein, it is predicted to be benign by multiple in silico algorithms, and/or has population frequency not consistent with disease.